The following is an entry in ClinVar:

NM_015450.3(POT1):c.646C>G (p.Leu216Val)

Gene: POT1 (protection of telomeres 1; minus strand). Cytogenetic location: 7q31.33.
Variant type: single nucleotide variant.
Coding change: c.646C>G on transcript NM_015450.3 (MANE Select); coding-DNA position 646, C replaced by G.
Protein change: p.Leu216Val; replaces leucine 216 with valine.
Molecular consequence: missense variant. On other transcripts: non-coding transcript variant (3).
Genome position (GRCh38, 1-based): chr7:124,859,013, G>C on the plus strand (C>G on the coding strand, the complement: POT1 is on the minus strand). VCF-style: chr7-124859013-G-C. GRCh37 (hg19) VCF-style: chr7-124499067-G-C.
Other names: c.253C>G, p.Leu85Val (NM_001042594.2); short protein forms L216V, L85V.
Identifiers: ClinVar variation 4862396 (VCV004862396.1).

ClinVar aggregate classification (germline): Uncertain significance (1 of 4 stars; one submission).

Conditions:
Hereditary cancer-predisposing syndrome. Also called: Neoplastic Syndromes, Hereditary; Tumor predisposition; Hereditary Cancer Syndrome; Hereditary neoplastic syndrome. Identifiers: Orphanet 140162, MedGen C0027672, MeSH D009386, MONDO:0015356.

gnomAD v4.1: 1 of 1,611,042 alleles (0.000062%); highest among the groups gnomAD compares: Non-Finnish European, 0.000085%; no homozygotes.

Submission:

Ambry Genetics
Classification: Uncertain significance for Hereditary cancer-predisposing syndrome. Last evaluated: 2026-04-28. Review status: criteria provided, single submitter. Criteria: Ambry Variant Classification Scheme 2023. Collection method: clinical testing. Allele origin: germline.
Comment: The p.L216V variant (also known as c.646C>G), located in coding exon 5 of the POT1 gene, results from a C to G substitution at nucleotide position 646. The leucine at codon 216 is replaced by valine, an amino acid with highly similar properties. This amino acid position is conserved. In addition, the in silico prediction for this alteration is inconclusive. Based on the available evidence, the clinical significance of this variant remains unclear.